The following is an entry in ClinVar:

NM_002693.3(POLG):c.1403A>T (p.Asn468Ile)

Gene: POLG (DNA polymerase gamma, catalytic subunit; minus strand). Cytogenetic location: 15q26.1.
Variant type: single nucleotide variant.
Coding change: c.1403A>T on transcript NM_002693.3 (MANE Select); coding-DNA position 1403, A replaced by T.
Protein change: p.Asn468Ile; replaces asparagine 468 with isoleucine.
Molecular consequence: missense variant.
Genome position (GRCh38, 1-based): chr15:89,327,197, T>A on the plus strand (A>T on the coding strand, the complement: POLG is on the minus strand). VCF-style: chr15-89327197-T-A. GRCh37 (hg19) VCF-style: chr15-89870428-T-A.
Other names: c.1403A>T, p.Asn468Ile (NM_001126131.2); short protein forms N468I.
Identifiers: ClinVar variation 1802265 (VCV001802265.3), dbSNP rs368614463, ClinGen allele CA393761672.

ClinVar aggregate classification (germline): Uncertain significance (1 of 4 stars; one submission).

Conditions:
Sensory ataxic neuropathy, dysarthria, and ophthalmoparesis (SANDO). Also called: Epilepsy, progressive myoclonic, type 5; Sensory ataxic neuropathy-dysarthria-ophthalmoparesis syndrome; SENSORY ATAXIC NEUROPATHY WITH MITOCHONDRIAL DNA DELETIONS, AUTOSOMAL RECESSIVE; Ataxia Neuropathy Spectrum (ANS). Identifiers: Orphanet 70595, MedGen C1843851, MONDO:0011835, OMIM 607459.
Progressive external ophthalmoplegia with mitochondrial DNA deletions, autosomal recessive 1 (PEOB1). Also called: Progressive external ophthalmoplegia, autosomal recessive 1; Autosomal Recessive Progressive External Ophthalmoplegia (arPEO). Identifiers: Orphanet 254886, MedGen C4225153, MONDO:0009783, OMIM 258450.
Mitochondrial DNA depletion syndrome 4b. Also called: MNGIE, POLG-RELATED; Mitochondrial Neurogastrointestinal Encephalopathy Disease, POLG-Related. Identifiers: Orphanet 298, MedGen C3150914, MONDO:0013350, OMIM 613662.
Progressive sclerosing poliodystrophy (MTDPS4A). Also called: Alpers-Huttenlocher Syndrome; Mitochondrial DNA Depletion Syndrome 4A; ALPERS PROGRESSIVE INFANTILE POLIODYSTROPHY; NEURONAL DEGENERATION OF CHILDHOOD WITH LIVER DISEASE, PROGRESSIVE; Alpers-Huttenlocher Syndrome (AHS); Alpers Syndrome. Identifiers: Orphanet 726, MedGen C0205710, MONDO:0008758, OMIM 203700.

Submission:

Diagnostics Services (NGS), CSIR - Centre For Cellular And Molecular Biology
Classification: Uncertain significance for Progressive external ophthalmoplegia with mitochondrial DNA deletions, autosomal recessive 1; Progressive sclerosing poliodystrophy; Mitochondrial DNA depletion syndrome 4b; Sensory ataxic neuropathy, dysarthria, and ophthalmoparesis. Last evaluated: 2022-11-03. Review status: criteria provided, single submitter. Criteria: ACMG Guidelines, 2015. Collection method: clinical testing. Allele origin: unknown. Affected: yes. Observed: 1 variant allele, 1 homozygote.
Comment: The c.1403A>T variant is not present in publicly available population databases like 1000 Genomes, EVS, ExAC, gnomAD, Indian Exome Database or our in-house exome database. This variant has neither been published in literature nor reported to clinical databases like ClinVar, Human Genome Mutation Database (HGMD) and OMIM. In-silico pathogenicity prediction programs like SIFT, PolyPhen-2, MutationTaster2, CADD etc. predicted this variant to be likely deleterious, however these predictions were not confirmed by any published functional studies.